The following is an entry in ClinVar:

NM_000383.4(AIRE):c.1400+2T>A

Gene: AIRE (autoimmune regulator; plus strand). Cytogenetic location: 21q22.3.
Variant type: single nucleotide variant.
Coding change: c.1400+2T>A on transcript NM_000383.4 (MANE Select); the canonical splice donor site of the intron after coding-DNA position 1400, T replaced by A.
Molecular consequence: splice donor variant.
Genome position (GRCh38, 1-based): chr21:44,293,912, T>A. VCF-style: chr21-44293912-T-A. GRCh37 (hg19) VCF-style: chr21-45713795-T-A.
Identifiers: ClinVar variation 4818288 (VCV004818288.1).

ClinVar aggregate classification (germline): Pathogenic (1 of 4 stars; one submission).

Conditions:
Polyglandular autoimmune syndrome, type 1 (APS1). Also called: PGA I; Autoimmune polyendocrinopathy syndrome , type I, with or without reversible metaphyseal dysplasia; AUTOIMMUNE POLYENDOCRINE SYNDROME, TYPE I, WITH OR WITHOUT REVERSIBLE METAPHYSEAL DYSPLASIA; APS I; Whitaker syndrome; HYPOADRENOCORTICISM WITH HYPOPARATHYROIDISM AND SUPERFICIAL MONILIASIS. Identifiers: Orphanet 3453, MedGen C0085859, MONDO:0009411, OMIM 240300.

Submission:

Natera, Inc.
Classification: Pathogenic for Polyglandular autoimmune syndrome type 1. Last evaluated: 2024-04-23. Review status: criteria provided, single submitter. Criteria: Natera Variant Classification Schema (03/2026). Collection method: clinical testing. Allele origin: germline.
Comment: The c.1400+2T>A variant in AIRE is a canonical splice donor site variant predicted to affect pre-mRNA splicing, which may result in an abnormal transcript and altered protein product. This variant is expected to result in nonsense mediated decay, truncation, or a dysfunctional protein product. This variant is rare in the general population with a frequency below the threshold expected for the associated phenotype(s). Another variant at this same site results in an alteration predicted to cause a similar molecular effect has been observed in individual(s) with the associated phenotype. Given the available evidence, this variant is classified as Pathogenic.